The following is an entry in ClinVar:

ClinVar aggregate classification (germline): Uncertain significance (1 of 4 stars; one submission).

Allele frequency attached by ClinVar (database versions not stated): gnomAD exomes below 0.00001.
gnomAD v4.1: 1 of 1,614,034 alleles (0.000062%); highest among the groups gnomAD compares: Non-Finnish European, 0.000085%; no homozygotes.

Submission:

Labcorp Genetics (formerly Invitae), Labcorp
Classification: Uncertain significance. Last evaluated: 2023-03-19. Review status: criteria provided, single submitter. Criteria: Invitae Variant Classification Sherloc (09022015). Collection method: clinical testing. Allele origin: germline.
Comment: This variant has not been reported in the literature in individuals affected with CDH2-related conditions. This sequence change replaces proline, which is neutral and non-polar, with serine, which is neutral and polar, at codon 318 of the CDH2 protein (p.Pro318Ser). This variant is not present in population databases (gnomAD no frequency). An algorithm developed to predict the effect of missense changes on protein structure and function (PolyPhen-2) suggests that this variant is likely to be tolerated. In summary, the available evidence is currently insufficient to determine the role of this variant in disease. Therefore, it has been classified as a Variant of Uncertain Significance.

NM_001792.5(CDH2):c.952C>T (p.Pro318Ser)

Gene: CDH2 (cadherin 2; minus strand). Cytogenetic location: 18q12.1.
Variant type: single nucleotide variant.
Coding change: c.952C>T on transcript NM_001792.5 (MANE Select); coding-DNA position 952, C replaced by T.
Protein change: p.Pro318Ser; replaces proline 318 with serine.
Molecular consequence: missense variant.
Genome position (GRCh38, 1-based): chr18:28,003,065, G>A on the plus strand (C>T on the coding strand, the complement: CDH2 is on the minus strand). VCF-style: chr18-28003065-G-A. GRCh37 (hg19) VCF-style: chr18-25583029-G-A.
Other names: c.859C>T, p.Pro287Ser (NM_001308176.2); short protein forms P287S, P318S.
Identifiers: ClinVar variation 2847427 (VCV002847427.3), dbSNP rs2510808406, ClinGen allele CA402242808.